The following is an entry in ClinVar:

ClinVar aggregate classification (germline): Benign/Likely benign. Review status: criteria provided, multiple submitters, no conflicts (2 of 4 stars). 4 submissions from 4 submitters: Benign (1); Likely benign (3). Last evaluated 2026-01-06.

Allele frequency attached by ClinVar (database versions not stated): TOPMed below 0.00001; gnomAD 0.00009; gnomAD exomes 0.00014 and 0.00023; ExAC 0.00030; 1000 Genomes Project 30x 0.00109; 1000 Genomes Project 0.00120.
gnomAD v4.1: 195 of 1,436,430 alleles (0.014%); highest among the groups gnomAD compares: South Asian, 0.21%; no homozygotes.

Submissions (4):

Labcorp Genetics (formerly Invitae), Labcorp
Classification: Likely benign. Last evaluated: 2026-01-06. Review status: criteria provided, single submitter. Criteria: Invitae Variant Classification Sherloc (09022015). Collection method: clinical testing. Allele origin: germline.

CeGaT Center for Human Genetics Tuebingen
Classification: Likely benign. Last evaluated: 2024-12-01. Review status: criteria provided, single submitter. Criteria: CeGaT Center For Human Genetics Tuebingen Variant Classification Criteria Version 2. Collection method: clinical testing. Allele origin: germline. Affected: yes. Observed: 1 variant allele.
Comment: KMT2A: BP4, BS1

Blueprint Genetics
Classification: Likely benign. Last evaluated: 2024-10-23. Review status: criteria provided, single submitter. Criteria: ACMG Guidelines, 2015. Collection method: clinical testing. Allele origin: germline.

GeneDx
Classification: Benign. Last evaluated: 2020-12-10. Review status: criteria provided, single submitter. Criteria: GeneDx Variant Classification Process June 2021. Collection method: clinical testing. Allele origin: germline. Affected: yes.

NM_001197104.2(KMT2A):c.5289+5A>G

Gene: KMT2A (lysine methyltransferase 2A; plus strand). Cytogenetic location: 11q23.3.
Variant type: single nucleotide variant.
Coding change: c.5289+5A>G on transcript NM_001197104.2 (MANE Select); 5 bases into the intron after coding-DNA position 5289, A replaced by G.
Molecular consequence: intron variant.
Genome position (GRCh38, 1-based): chr11:118,494,403, A>G. VCF-style: chr11-118494403-A-G. GRCh37 (hg19) VCF-style: chr11-118365118-A-G.
Other names: c.5280+5A>G (NM_005933.4).
Identifiers: ClinVar variation 1281830 (VCV001281830.23), dbSNP rs568439743, ClinGen allele CA6304025.